The following is an entry in ClinVar:

ClinVar aggregate classification (germline): Likely benign. Review status: criteria provided, multiple submitters, no conflicts (2 of 4 stars). 5 submissions from 5 submitters: Likely benign (4). 1 of the submissions does not count toward it. Last evaluated 2025-02-17.

Conditions:
Ornithine carbamoyltransferase deficiency (OTCD). Also called: ORNITHINE TRANSCARBAMYLASE DEFICIENCY; ORNITHINE TRANSCARBAMYLASE DEFICIENCY, HYPERAMMONEMIA DUE TO; OTC DEFICIENCY; Ornithine Carbamoyltransferase Deficiency Disease. Identifiers: Orphanet 664, MedGen C0268542, MONDO:0010703, OMIM 311250.

Allele frequency attached by ClinVar (database versions not stated): TOPMed 0.00001; ExAC 0.00002; gnomAD 0.00002 and 0.00001; gnomAD exomes 0.00002.
gnomAD v4.1: 30 of 1,194,224 alleles (0.0025%); highest among the groups gnomAD compares: Middle Eastern, 0.23%; no homozygotes.

Submissions (5):

Labcorp Genetics (formerly Invitae), Labcorp
Classification: Likely benign for Ornithine carbamoyltransferase deficiency. Last evaluated: 2025-02-17. Review status: criteria provided, single submitter. Criteria: Invitae Variant Classification Sherloc (09022015). Collection method: clinical testing. Allele origin: germline.

GeneDx
Classification: Likely benign. Last evaluated: 2018-04-12. Review status: criteria provided, single submitter. Criteria: GeneDx Variant Classification (06012015). Collection method: clinical testing. Allele origin: germline. Affected: yes.
Comment: This variant is considered likely benign or benign based on one or more of the following criteria: it is a conservative change, it occurs at a poorly conserved position in the protein, it is predicted to be benign by multiple in silico algorithms, and/or has population frequency not consistent with disease.

Illumina Laboratory Services, Illumina
Classification: Likely benign for Ornithine carbamoyltransferase deficiency. Last evaluated: 2018-01-12. Review status: criteria provided, single submitter. Criteria: ICSL Variant Classification Criteria 13 December 2019. Collection method: clinical testing. Allele origin: germline.
Comment: This variant was observed in the ICSL laboratory as part of a predisposition screen in an ostensibly healthy population. It had not been previously curated by ICSL or reported in the Human Gene Mutation Database (HGMD: prior to June 1st, 2018), and was therefore a candidate for classification through an automated scoring system. Utilizing variant allele frequency, disease prevalence and penetrance estimates, and inheritance mode, an automated score was calculated to assess if this variant is too frequent to cause the disease. Based on the score and internal cut-off values, a variant classified as likely benign is not then subjected to further curation. The score for this variant resulted in a classification of likely benign for this disease.

Breakthrough Genomics
Classification: Likely benign. Review status: criteria provided, single submitter. Criteria: ACMG Guidelines, 2015. Collection method: not provided. Allele origin: germline. Inheritance: X-linked inheritance. Affected: yes.

Natera, Inc.
Classification: Uncertain significance for Ornithine transcarbamylase deficiency. Last evaluated: 2020-01-04. Review status: no assertion criteria provided. Collection method: clinical testing. Allele origin: germline. Not counted in ClinVar's aggregate classification.

NM_000531.6(OTC):c.216+9C>T

Gene: OTC (ornithine transcarbamylase; plus strand). Cytogenetic location: Xp11.4.
Variant type: single nucleotide variant.
Coding change: c.216+9C>T on transcript NM_000531.6 (MANE Select); 9 bases into the intron after coding-DNA position 216, C replaced by T.
Molecular consequence: intron variant.
Genome position (GRCh38, 1-based): chrX:38,367,438, C>T. VCF-style: chrX-38367438-C-T. GRCh37 (hg19) VCF-style: chrX-38226691-C-T.
Identifiers: ClinVar variation 368258 (VCV000368258.16), dbSNP rs774764719, ClinGen allele CA10385797.